The following is an entry in ClinVar:

ClinVar aggregate classification (germline): Conflicting classifications of pathogenicity. Review status: criteria provided, conflicting classifications (1 of 4 stars). 4 submissions from 4 submitters: Uncertain significance (1); Likely benign (2). 1 of the submissions does not count toward it. Last evaluated 2025-08-31.

Conditions:
Inborn genetic diseases. Identifiers: MedGen C0950123, MeSH D030342.
DNAH2-related disorder. Also called: DNAH2-related condition.

Allele frequency attached by ClinVar (database versions not stated): 1000 Genomes Project 30x 0.00125; 1000 Genomes Project 0.00140; gnomAD 0.00351; gnomAD exomes 0.00360 and 0.00527; ExAC 0.00371; TOPMed 0.00381; ESP Exome Variant Server 0.00554.
gnomAD v4.1: 8,176 of 1,613,882 alleles (0.51%); highest among the groups gnomAD compares: Non-Finnish European, 0.62%; 29 homozygotes.

Submissions (4):

Ambry Genetics
Classification: Uncertain significance for Inborn genetic diseases. Last evaluated: 2025-08-31. Review status: criteria provided, single submitter. Criteria: Ambry Variant Classification Scheme 2023. Collection method: clinical testing. Allele origin: germline.

CeGaT Center for Human Genetics Tuebingen
Classification: Likely benign. Last evaluated: 2024-01-01. Review status: criteria provided, single submitter. Criteria: CeGaT Center For Human Genetics Tuebingen Variant Classification Criteria Version 2. Collection method: clinical testing. Allele origin: germline. Affected: yes. Observed: 2 variant alleles.
Comment: DNAH2: BP4, BS2

Labcorp Genetics (formerly Invitae), Labcorp
Classification: Likely benign. Last evaluated: 2019-12-31. Review status: criteria provided, single submitter. Criteria: Invitae Variant Classification Sherloc (09022015). Collection method: clinical testing. Allele origin: germline.

PreventionGenetics, part of Exact Sciences
Classification: Likely benign for DNAH2-related condition. Last evaluated: 2019-03-12. Review status: no assertion criteria provided. Collection method: clinical testing. Allele origin: germline. Not counted in ClinVar's aggregate classification.
Comment: This variant is classified as likely benign based on ACMG/AMP sequence variant interpretation guidelines (Richards et al. 2015 PMID: 25741868, with internal and published modifications).

NM_020877.5(DNAH2):c.2443C>T (p.Pro815Ser)

Gene: DNAH2 (dynein axonemal heavy chain 2; plus strand). Cytogenetic location: 17p13.1.
Variant type: single nucleotide variant.
Coding change: c.2443C>T on transcript NM_020877.5 (MANE Select); coding-DNA position 2443, C replaced by T.
Protein change: p.Pro815Ser; replaces proline 815 with serine.
Molecular consequence: missense variant.
Genome position (GRCh38, 1-based): chr17:7,759,119, C>T. VCF-style: chr17-7759119-C-T. GRCh37 (hg19) VCF-style: chr17-7662437-C-T.
Other names: c.2443C>T (NM_020877.2); short protein forms P815S.
Identifiers: ClinVar variation 782417 (VCV000782417.30), dbSNP rs142532084, ClinGen allele CA8356478.